The following is an entry in ClinVar:

ClinVar aggregate classification (germline): Likely pathogenic (1 of 4 stars; one submission).

Conditions:
Familial hypercholesterolemia. Also called: Familial hypercholesterolaemia. Identifiers: MedGen C0020445, MONDO:0005439.

Submission:

Cambridge Genomics Laboratory, East Genomic Laboratory Hub, NHS Genomic Medicine Service
Classification: Likely pathogenic for Familial hypercholesterolaemia. Last evaluated: 2024-06-10. Review status: criteria provided, single submitter. Criteria: ACGS Best Practice Guidelines for Variant Classification in Rare Disease 2020. Collection method: clinical testing. Allele origin: germline. Affected: yes.
Comment: The p.Thr101Argfs*149 variant is novel (not in any individuals) in gnomAD All. The p.Thr101Argfs*149 variant is novel (not in any individuals) in 1kG All. The p.Thr101Argfs*149 variant is novel (not in any individuals) in gnomAD Genomes v3 All. (PM2 - Moderate) | The variant removes more than 10% of the protein. (PVS1_Strong - Strong) | The variant is observed in trans (in a compound heterozygous state) with another pathogenic variant. (PM3_Supporting - Supporting) | The patient's phenotype or family history is highly specific for a disease with a single genetic etiology. (PP4 - Supporting)

NM_000041.4(APOE):c.300_303del (p.Thr101fs)

Gene: APOE (apolipoprotein E; plus strand). Cytogenetic location: 19q13.32.
Variant type: Deletion.
Coding change: c.300_303del on transcript NM_000041.4 (MANE Select); coding-DNA positions 300 to 303, 4 bases deleted (GACC; older notation c.300_303delGACC).
Protein change: p.Thr101fs; shifts the reading frame from threonine 101.
Molecular consequence: frameshift variant.
Genome position (GRCh38, 1-based): chr19:44,908,596-44,908,599, GACC deleted. VCF-style (leftmost placement, unchanged base first): chr19-44908595-TGACC-T. GRCh37 (hg19) VCF-style: chr19-45411852-TGACC-T.
Other names: c.378_381del, p.Thr127fs (NM_001302688.2); c.300_303del, p.Thr101fs (NM_001302689.2, NM_001302690.2, NM_001302691.2); short protein forms T101fs, T127fs.
Identifiers: ClinVar variation 4812829 (VCV004812829.1).
Genomic context (GRCh38, chr19:44,908,595, plus strand): 5'-CGCTGATGGACGAGACCATGAAGGAGTTGAAGGCCTACAAATCGGAACTGGAGGAACAAC[TGACC>T]CCGGTGGCGGAGGAGACGCGGGCACGGCTGTCCAAGGAGCTGCAGGCGGCGCAGGCCCGG-3'